The following is an entry in ClinVar:

ClinVar aggregate classification (germline): Uncertain significance (1 of 4 stars; one submission).

gnomAD v4.1: 1 of 1,614,148 alleles (0.000062%); no homozygotes.

Submission:

Labcorp Genetics (formerly Invitae), Labcorp
Classification: Uncertain significance. Last evaluated: 2024-04-10. Review status: criteria provided, single submitter. Criteria: Invitae Variant Classification Sherloc (09022015). Collection method: clinical testing. Allele origin: germline.
Comment: This sequence change replaces aspartic acid, which is acidic and polar, with glycine, which is neutral and non-polar, at codon 1001 of the NSD1 protein (p.Asp1001Gly). This variant is not present in population databases (gnomAD no frequency). This variant has not been reported in the literature in individuals affected with NSD1-related conditions. ClinVar contains an entry for this variant (Variation ID: 1999423). Advanced modeling of protein sequence and biophysical properties (such as structural, functional, and spatial information, amino acid conservation, physicochemical variation, residue mobility, and thermodynamic stability) performed at Invitae indicates that this missense variant is not expected to disrupt NSD1 protein function with a negative predictive value of 95%. In summary, the available evidence is currently insufficient to determine the role of this variant in disease. Therefore, it has been classified as a Variant of Uncertain Significance.

NM_022455.5(NSD1):c.3002A>G (p.Asp1001Gly)

Gene: NSD1 (nuclear receptor binding SET domain protein 1; plus strand). Cytogenetic location: 5q35.3.
Variant type: single nucleotide variant.
Coding change: c.3002A>G on transcript NM_022455.5 (MANE Select); coding-DNA position 3002, A replaced by G.
Protein change: p.Asp1001Gly; replaces aspartic acid 1001 with glycine.
Molecular consequence: missense variant.
Genome position (GRCh38, 1-based): chr5:177,211,401, A>G. VCF-style: chr5-177211401-A-G. GRCh37 (hg19) VCF-style: chr5-176638402-A-G.
Other names: c.2129A>G, p.Asp710Gly (NM_001365684.2, NM_001409306.1, NM_001409307.1 and 3 more transcripts); c.3002A>G, p.Asp1001Gly (NM_001409301.1, NM_001409302.1, NM_001409303.1); c.2582A>G, p.Asp861Gly (NM_001409304.1); c.2249A>G, p.Asp750Gly (NM_001409305.1); short protein forms D732G, D710G, D750G, D861G, D1001G.
Identifiers: ClinVar variation 1999423 (VCV001999423.4), dbSNP rs1562211146, ClinGen allele CA362321513.
Genomic context (GRCh38, chr5:177,211,401, plus strand): 5'-GTGGGGGTGACTCTGCATTATCTGGCGAGTTGTCTGCTTCCCTACCTGGCTTACTGTCCG[A>G]CAAGAGAGACCTCCCTGCTTCTGGTAAAAGTCGTTCAGACTGTGTTACTAGGCGCAACTG-3'
Protein context (NP_071900.2, residues 991-1011): LSASLPGLLS[Asp1001Gly]KRDLPASGKS